The following is an entry in ClinVar:

ClinVar aggregate classification (germline): Uncertain significance (0 of 4 stars; one submission).

Conditions:
PLXNA4-related disorder. Also called: PLXNA4-related condition.

Submission:

PreventionGenetics, part of Exact Sciences
Classification: Uncertain significance for PLXNA4-related condition. Last evaluated: 2024-08-30. Review status: no assertion criteria provided. Collection method: clinical testing. Allele origin: germline.
Comment: The PLXNA4 c.2738+5G>C variant is predicted to interfere with splicing. This variant is predicted to alter splicing based on available splicing prediction software (SpliceAI, Jaganathan et al. 2019. PubMed ID: 30661751). However, the use of computer prediction softwares is not equivalent to functional evidence. To our knowledge, this variant has not been reported in the literature or in a large population database, indicating this variant is rare. At this time, the clinical significance of this variant is uncertain due to the absence of conclusive functional and genetic evidence.

NM_020911.2(PLXNA4):c.2738+5G>C

Gene: PLXNA4 (plexin A4; minus strand). Cytogenetic location: 7q32.3.
Variant type: single nucleotide variant.
Coding change: c.2738+5G>C on transcript NM_020911.2 (MANE Select); 5 bases into the intron after coding-DNA position 2738, G replaced by C.
Molecular consequence: intron variant.
Genome position (GRCh38, 1-based): chr7:132,198,480, C>G on the plus strand (G>C on the coding strand, the complement: PLXNA4 is on the minus strand). VCF-style: chr7-132198480-C-G. GRCh37 (hg19) VCF-style: chr7-131883239-C-G.
Other names: c.2738+5G>C (NM_001393897.1).
Identifiers: ClinVar variation 3344240 (VCV003344240.1).